The following is an entry in ClinVar:

NM_001079537.2(TRAPPC6B):c.307A>C (p.Thr103Pro)

Gene: TRAPPC6B (trafficking protein particle complex subunit 6B; minus strand). Cytogenetic location: 14q21.1.
Variant type: single nucleotide variant.
Coding change: c.307A>C on transcript NM_001079537.2 (MANE Select); coding-DNA position 307, A replaced by C.
Protein change: p.Thr103Pro; replaces threonine 103 with proline.
Molecular consequence: missense variant. On other transcripts: intron variant (1).
Genome position (GRCh38, 1-based): chr14:39,154,255, T>G on the plus strand (A>C on the coding strand, the complement: TRAPPC6B is on the minus strand). VCF-style: chr14-39154255-T-G. GRCh37 (hg19) VCF-style: chr14-39623459-T-G.
Other names: c.268-2416A>C (NM_177452.4); short protein forms T103P.
Identifiers: ClinVar variation 1355780 (VCV001355780.8), dbSNP rs2139378563, ClinGen allele CA389551529.

ClinVar aggregate classification (germline): Uncertain significance (1 of 4 stars; one submission).

Submission:

Labcorp Genetics (formerly Invitae), Labcorp
Classification: Uncertain significance. Last evaluated: 2022-07-26. Review status: criteria provided, single submitter. Criteria: Invitae Variant Classification Sherloc (09022015). Collection method: clinical testing. Allele origin: germline.
Comment: In summary, the available evidence is currently insufficient to determine the role of this variant in disease. Therefore, it has been classified as a Variant of Uncertain Significance. This sequence change replaces threonine, which is neutral and polar, with proline, which is neutral and non-polar, at codon 103 of the TRAPPC6B protein (p.Thr103Pro). This variant is not present in population databases (gnomAD no frequency). This variant has not been reported in the literature in individuals affected with TRAPPC6B-related conditions. ClinVar contains an entry for this variant (Variation ID: 1355780). Algorithms developed to predict the effect of missense changes on protein structure and function (SIFT, PolyPhen-2, Align-GVGD) all suggest that this variant is likely to be tolerated.